The following is an entry in ClinVar:

ClinVar aggregate classification (germline): Uncertain significance (1 of 4 stars; one submission).

Allele frequency attached by ClinVar (database versions not stated): ExAC 0.00002; gnomAD exomes 0.00002 and 0.00004; gnomAD 0.00003; TOPMed 0.00003.
gnomAD v4.1: 41 of 1,614,034 alleles (0.0025%); highest among the groups gnomAD compares: Non-Finnish European, 0.0027%; no homozygotes.

Submission:

Labcorp Genetics (formerly Invitae), Labcorp
Classification: Uncertain significance. Last evaluated: 2022-08-04. Review status: criteria provided, single submitter. Criteria: Invitae Variant Classification Sherloc (09022015). Collection method: clinical testing. Allele origin: germline.
Comment: This sequence change replaces glycine, which is neutral and non-polar, with arginine, which is basic and polar, at codon 358 of the CCBE1 protein (p.Gly358Arg). This variant is present in population databases (rs755276492, gnomAD 0.01%). This variant has not been reported in the literature in individuals affected with CCBE1-related conditions. ClinVar contains an entry for this variant (Variation ID: 1498543). Algorithms developed to predict the effect of missense changes on protein structure and function output the following: SIFT: "Deleterious"; PolyPhen-2: "Benign"; Align-GVGD: "Class C65". The arginine amino acid residue is found in multiple mammalian species, which suggests that this missense change does not adversely affect protein function. In summary, the available evidence is currently insufficient to determine the role of this variant in disease. Therefore, it has been classified as a Variant of Uncertain Significance.

NM_133459.4(CCBE1):c.1072G>A (p.Gly358Arg)

Gene: CCBE1 (collagen and calcium binding EGF domains 1; minus strand). Cytogenetic location: 18q21.32.
Variant type: single nucleotide variant.
Coding change: c.1072G>A on transcript NM_133459.4 (MANE Select); coding-DNA position 1072, G replaced by A.
Protein change: p.Gly358Arg; replaces glycine 358 with arginine.
Molecular consequence: missense variant.
Genome position (GRCh38, 1-based): chr18:59,436,057, C>T on the plus strand (G>A on the coding strand, the complement: CCBE1 is on the minus strand). VCF-style: chr18-59436057-C-T. GRCh37 (hg19) VCF-style: chr18-57103289-C-T.
Other names: short protein forms G358R.
Identifiers: ClinVar variation 1498543 (VCV001498543.3), dbSNP rs755276492, ClinGen allele CA8980182.
Genomic context (GRCh38, chr18:59,436,057, plus strand): 5'-GGTAGCTGGGAAATTCCTGAGGTAAAGGGAACTCCTCTGCTGAAGAGTGAGTCCGGTGCC[C>T]GAACACCTTTTCCTGCAGCTCAGTGATGTCATTGCGGATGTCAGCCAGCATAAGTAGCAG-3'
Protein context (NP_597716.1, residues 348-368): DITELQEKVF[Gly358Arg]HRTHSSAEEF